The following is an entry in ClinVar:

ClinVar aggregate classification (germline): Uncertain significance (1 of 4 stars; one submission).

Conditions:
Arrhythmogenic right ventricular dysplasia 11. Also called: ARRHYTHMOGENIC RIGHT VENTRICULAR DYSPLASIA, FAMILIAL, 11; Arrhythmogenic Right Ventricular Dysplasia/Cardiomyopathy11; Arrhythmogenic right ventricular dysplasia 11 with mild palmoplantar keratoderma and woolly hair. Identifiers: MedGen C1864850, MONDO:0012506, OMIM 610476.

Submission:

Labcorp Genetics (formerly Invitae), Labcorp
Classification: Uncertain significance for Arrhythmogenic right ventricular dysplasia 11. Last evaluated: 2024-09-15. Review status: criteria provided, single submitter. Criteria: Invitae Variant Classification Sherloc (09022015). Collection method: clinical testing. Allele origin: germline.
Comment: This sequence change replaces valine, which is neutral and non-polar, with glycine, which is neutral and non-polar, at codon 416 of the DSC2 protein (p.Val416Gly). This variant is not present in population databases (gnomAD no frequency). This variant has not been reported in the literature in individuals affected with DSC2-related conditions. Invitae Evidence Modeling of protein sequence and biophysical properties (such as structural, functional, and spatial information, amino acid conservation, physicochemical variation, residue mobility, and thermodynamic stability) indicates that this missense variant is not expected to disrupt DSC2 protein function with a negative predictive value of 80%. In summary, the available evidence is currently insufficient to determine the role of this variant in disease. Therefore, it has been classified as a Variant of Uncertain Significance.

NM_024422.6(DSC2):c.1247T>G (p.Val416Gly)

Gene: DSC2 (desmocollin 2; minus strand). Cytogenetic location: 18q12.1.
Variant type: single nucleotide variant.
Coding change: c.1247T>G on transcript NM_024422.6 (MANE Select); coding-DNA position 1247, T replaced by G.
Protein change: p.Val416Gly; replaces valine 416 with glycine.
Molecular consequence: missense variant.
Genome position (GRCh38, 1-based): chr18:31,082,254, A>C on the plus strand (T>G on the coding strand, the complement: DSC2 is on the minus strand). VCF-style: chr18-31082254-A-C. GRCh37 (hg19) VCF-style: chr18-28662220-A-C.
Other names: c.818T>G, p.Val273Gly (NM_001406506.1, NM_001406507.1); c.1247T>G, p.Val416Gly (NM_004949.5); short protein forms V273G, V416G.
Identifiers: ClinVar variation 3693995 (VCV003693995.2).